The following is an entry in ClinVar:

NM_007294.4(BRCA1):c.3900C>A (p.Cys1300Ter)

Genes: BRCA1 (BRCA1 DNA repair associated; minus strand), LOC126862571 (BRD4-independent group 4 enhancer GRCh37_chr17:41243136-41244335; plus strand). Cytogenetic location: 17q21.31.
Variant type: single nucleotide variant.
Coding change: c.3900C>A on transcript NM_007294.4 (MANE Select); coding-DNA position 3900, C replaced by A.
Protein change: p.Cys1300Ter; replaces cysteine 1300 with a stop codon.
Molecular consequence: nonsense. On other transcripts: intron variant (135).
Genome position (GRCh38, 1-based): chr17:43,091,631, G>T on the plus strand (C>A on the coding strand, the complement: BRCA1 is on the minus strand). VCF-style: chr17-43091631-G-T. GRCh37 (hg19) VCF-style: chr17-41243648-G-T.
Other names: c.3636C>A, p.Cys1212Ter (NM_001407923.1, NM_001407927.1, NM_001407928.1 and 9 more transcripts); c.3687C>A, p.Cys1229Ter (NM_001407899.1, NM_001407915.1, NM_001407916.1 and 9 more transcripts); c.3690C>A, p.Cys1230Ter (NM_001407900.1, NM_001407902.1, NM_001407904.1 and 13 more transcripts); c.3777C>A, p.Cys1259Ter (NM_001407919.1, NM_001407937.1, NM_001407938.1 and 19 more transcripts); c.3633C>A, p.Cys1211Ter (NM_001407930.1, NM_001407931.1, NM_001407932.1 and 2 more transcripts); c.3774C>A, p.Cys1258Ter (NM_001407940.1, NM_001407941.1, NM_001407649.1 and 11 more transcripts); c.3759C>A, p.Cys1253Ter (NM_001407942.1, NM_001407944.1, NM_001407945.1 and 29 more transcripts); c.3756C>A, p.Cys1252Ter (NM_001407943.1, NM_001407964.1, NM_001407740.1 and 20 more transcripts); and 41 more; short protein forms C1172*, C1188*, C1258*, C1300*, C432*, C1132*, C1173*, C1229*.
Identifiers: ClinVar variation 1736019 (VCV001736019.2), dbSNP rs730881454, ClinGen allele CA10594165.

ClinVar aggregate classification (germline): Pathogenic (1 of 4 stars; one submission).

Conditions:
Hereditary cancer-predisposing syndrome. Also called: Neoplastic Syndromes, Hereditary; Tumor predisposition; Hereditary Cancer Syndrome; Hereditary neoplastic syndrome. Identifiers: Orphanet 140162, MedGen C0027672, MeSH D009386, MONDO:0015356.

Submission:

Ambry Genetics
Classification: Pathogenic for Hereditary cancer-predisposing syndrome. Last evaluated: 2022-04-08. Review status: criteria provided, single submitter. Criteria: Ambry Variant Classification Scheme 2023. Collection method: clinical testing. Allele origin: germline.
Comment: The p.C1300* pathogenic mutation (also known as c.3900C>A), located in coding exon 9 of the BRCA1 gene, results from a C to A substitution at nucleotide position 3900. This changes the amino acid from a cysteine to a stop codon within coding exon 9. This variant is considered to be rare based on population cohorts in the Genome Aggregation Database (gnomAD). This alteration is expected to result in loss of function by premature protein truncation or nonsense-mediated mRNA decay. As such, this alteration is interpreted as a disease-causing mutation.